The following is an entry in ClinVar:

ClinVar aggregate classification (germline): Uncertain significance (1 of 4 stars; one submission).

Conditions:
Infantile neuroaxonal dystrophy (NBIA2A). Also called: NEURODEGENERATION WITH BRAIN IRON ACCUMULATION 2A; SEITELBERGER DISEASE; Infantile neuroaxonal dystrophy 1. Identifiers: Orphanet 35069, MedGen C0270724, MONDO:0024457, OMIM 256600.

Allele frequency attached by ClinVar (database versions not stated): gnomAD 0.00001; gnomAD exomes below 0.00001; ExAC 0.00001.
gnomAD v4.1: 3 of 1,613,462 alleles (0.00019%); highest among the groups gnomAD compares: South Asian, 0.0011%; no homozygotes.

Submission:

Labcorp Genetics (formerly Invitae), Labcorp
Classification: Uncertain significance for Infantile neuroaxonal dystrophy. Last evaluated: 2022-06-05. Review status: criteria provided, single submitter. Criteria: Invitae Variant Classification Sherloc (09022015). Collection method: clinical testing. Allele origin: germline.
Comment: This sequence change replaces proline, which is neutral and non-polar, with serine, which is neutral and polar, at codon 290 of the PLA2G6 protein (p.Pro290Ser). This variant is present in population databases (rs754964607, gnomAD 0.003%). This variant has not been reported in the literature in individuals affected with PLA2G6-related conditions. ClinVar contains an entry for this variant (Variation ID: 1400525). Advanced modeling of protein sequence and biophysical properties (such as structural, functional, and spatial information, amino acid conservation, physicochemical variation, residue mobility, and thermodynamic stability) performed at Invitae indicates that this missense variant is expected to disrupt PLA2G6 protein function. In summary, the available evidence is currently insufficient to determine the role of this variant in disease. Therefore, it has been classified as a Variant of Uncertain Significance.

NM_003560.4(PLA2G6):c.868C>T (p.Pro290Ser)

Gene: PLA2G6 (phospholipase A2 group VI; minus strand). Cytogenetic location: 22q13.1.
Variant type: single nucleotide variant.
Coding change: c.868C>T on transcript NM_003560.4 (MANE Select); coding-DNA position 868, C replaced by T.
Protein change: p.Pro290Ser; replaces proline 290 with serine.
Molecular consequence: missense variant.
Genome position (GRCh38, 1-based): chr22:38,135,014, G>A on the plus strand (C>T on the coding strand, the complement: PLA2G6 is on the minus strand). VCF-style: chr22-38135014-G-A. GRCh37 (hg19) VCF-style: chr22-38531021-G-A.
Other names: c.868C>T, p.Pro290Ser (NM_001349866.2, NM_001004426.3, NM_001199562.3 and 2 more transcripts); c.334C>T, p.Pro112Ser (NM_001349867.2, NM_001349869.2); c.190C>T, p.Pro64Ser (NM_001349868.2); short protein forms P290S, P112S, P64S.
Identifiers: ClinVar variation 1400525 (VCV001400525.3), dbSNP rs754964607, ClinGen allele CA10231119.